The following is an entry in ClinVar:

ClinVar aggregate classification (germline): Conflicting classifications of pathogenicity. Review status: criteria provided, conflicting classifications (1 of 4 stars). 2 submissions from 2 submitters: Uncertain significance (1); Likely benign (1). Last evaluated 2025-04-16.

Conditions:
Spinocerebellar ataxia, autosomal recessive, with axonal neuropathy 2 (SCAN2). Also called: ATAXIA-OCULOMOTOR APRAXIA 2; Ataxia with Oculomotor Apraxia; Ataxia-ocular apraxia-2; Ataxia with Oculomotor Apraxia Type 2. Identifiers: Orphanet 64753, MedGen C1853761, MONDO:0018996, OMIM 606002.
Amyotrophic lateral sclerosis type 4 (ALS4). Also called: AMYOTROPHIC LATERAL SCLEROSIS 4, JUVENILE; NEURONOPATHY, DISTAL HEREDITARY MOTOR, WITH PYRAMIDAL FEATURES. Identifiers: Orphanet 357043, MedGen C1865409, MONDO:0011223, OMIM 602433.

Allele frequency attached by ClinVar (database versions not stated): gnomAD exomes below 0.00001 and 0.00001; ExAC 0.00001.
gnomAD v4.1: 4 of 1,614,176 alleles (0.00025%); highest among the groups gnomAD compares: Non-Finnish European, 0.00034%; no homozygotes.

Submissions (2):

Women's Health and Genetics/Laboratory Corporation of America, LabCorp
Classification: Uncertain significance. Last evaluated: 2025-04-16. Review status: criteria provided, single submitter. Criteria: LabCorp Variant Classification Summary - May 2015. Collection method: clinical testing. Allele origin: germline.
Comment: Variant summary: SETX c.1732A>G (p.Ser578Gly) results in a non-conservative amino acid change in the encoded protein sequence. Four of five in-silico tools predict a benign effect of the variant on protein function. The variant allele was found at a frequency of 4e-06 in 251190 control chromosomes. The available data on variant occurrences in the general population are insufficient to allow any conclusion about variant significance. To our knowledge, no occurrence of c.1732A>G in individuals affected with Spinocerebellar ataxia, autosomal recessive, with axonal neuropathy 2 and no experimental evidence demonstrating its impact on protein function have been reported. ClinVar contains an entry for this variant (Variation ID: 1389569). Based on the evidence outlined above, the variant was classified as uncertain significance.

Labcorp Genetics (formerly Invitae), Labcorp
Classification: Likely benign for Amyotrophic lateral sclerosis type 4; Spinocerebellar ataxia, autosomal recessive, with axonal neuropathy 2. Last evaluated: 2023-08-17. Review status: criteria provided, single submitter. Criteria: Invitae Variant Classification Sherloc (09022015). Collection method: clinical testing. Allele origin: germline.

NM_015046.7(SETX):c.1732A>G (p.Ser578Gly)

Gene: SETX (senataxin; minus strand). Cytogenetic location: 9q34.13.
Variant type: single nucleotide variant.
Coding change: c.1732A>G on transcript NM_015046.7 (MANE Select); coding-DNA position 1732, A replaced by G.
Protein change: p.Ser578Gly; replaces serine 578 with glycine.
Molecular consequence: missense variant.
Genome position (GRCh38, 1-based): chr9:132,329,866, T>C on the plus strand (A>G on the coding strand, the complement: SETX is on the minus strand). VCF-style: chr9-132329866-T-C. GRCh37 (hg19) VCF-style: chr9-135205253-T-C.
Other names: c.1732A>G, p.Ser578Gly (NM_001351527.2, NM_001351528.2); short protein forms S578G.
Identifiers: ClinVar variation 1389569 (VCV001389569.8), dbSNP rs770280073, ClinGen allele CA5297727.